The following is an entry in ClinVar:

ClinVar aggregate classification (germline): Uncertain significance (1 of 4 stars; one submission).

Conditions:
NIK deficiency. Also called: Primary immunodeficiency with multifaceted aberrant lymphoid immunity. Identifiers: Orphanet 447731, MedGen C5680065, MONDO:0018642.

Allele frequency attached by ClinVar (database versions not stated): gnomAD exomes 0.00001.
gnomAD v4.1: 9 of 1,613,946 alleles (0.00056%); highest among the groups gnomAD compares: Non-Finnish European, 0.00068%; no homozygotes.

Submission:

Labcorp Genetics (formerly Invitae), Labcorp
Classification: Uncertain significance for NIK deficiency. Last evaluated: 2019-02-08. Review status: criteria provided, single submitter. Criteria: Invitae Variant Classification Sherloc (09022015). Collection method: clinical testing. Allele origin: germline.
Comment: This sequence change replaces threonine with isoleucine at codon 685 of the MAP3K14 protein (p.Thr685Ile). The threonine residue is highly conserved and there is a moderate physicochemical difference between threonine and isoleucine. This variant is not present in population databases (ExAC no frequency). This variant has not been reported in the literature in individuals with MAP3K14-related conditions. Algorithms developed to predict the effect of missense changes on protein structure and function are either unavailable or do not agree on the potential impact of this missense change (SIFT: "Deleterious"; PolyPhen-2: "Not Available"; Align-GVGD: "Class C15"). In summary, the available evidence is currently insufficient to determine the role of this variant in disease. Therefore, it has been classified as a Variant of Uncertain Significance.

NM_003954.5(MAP3K14):c.2054C>T (p.Thr685Ile)

Genes: MAP3K14 (mitogen-activated protein kinase kinase kinase 14; minus strand), MAP3K14-AS1 (MAP3K14 antisense RNA 1; plus strand), LOC126862575 (CDK7 strongly-dependent group 2 enhancer GRCh37_chr17:43344006-43345205; plus strand). Cytogenetic location: 17q21.31.
Variant type: single nucleotide variant.
Coding change: c.2054C>T on transcript NM_003954.5 (MANE Select); coding-DNA position 2054, C replaced by T.
Protein change: p.Thr685Ile; replaces threonine 685 with isoleucine.
Molecular consequence: missense variant.
Genome position (GRCh38, 1-based): chr17:45,267,678, G>A on the plus strand (C>T on the coding strand, the complement: MAP3K14 is on the minus strand). VCF-style: chr17-45267678-G-A. GRCh37 (hg19) VCF-style: chr17-43345045-G-A.
Other names: short protein forms T685I.
Identifiers: ClinVar variation 838874 (VCV000838874.1), dbSNP rs892790739, ClinGen allele CA399876383.